The following is an entry in ClinVar:

NM_001386140.1(MTTP):c.700_702delinsCTGTCTCTTAT (p.Glu234fs)

Gene: MTTP (microsomal triglyceride transfer protein; plus strand). Cytogenetic location: 4q23.
Variant type: Indel.
Coding change: c.700_702delinsCTGTCTCTTAT on transcript NM_001386140.1 (MANE Select); coding-DNA positions 700 to 702, GAA replaced by CTGTCTCTTAT.
Protein change: p.Glu234fs; shifts the reading frame from glutamic acid 234.
Molecular consequence: frameshift variant.
Genome position (GRCh38, 1-based): chr4:99,591,732-99,591,734, GAA replaced by CTGTCTCTTAT. VCF-style: chr4-99591732-GAA-CTGTCTCTTAT. GRCh37 (hg19) VCF-style: chr4-100512889-GAA-CTGTCTCTTAT.
Other names: c.700_702delinsCTGTCTCTTAT, p.Glu234fs (NM_000253.4); c.451_453delinsCTGTCTCTTAT, p.Glu151fs (NM_001300785.2); short protein forms E151fs, E234fs.
Identifiers: ClinVar variation 5011005 (VCV005011005.1).

ClinVar aggregate classification (germline): Pathogenic (1 of 4 stars; one submission).

Conditions:
Abetalipoproteinaemia (ABL). Also called: MTP DEFICIENCY; Abetalipoproteinemia; Abetalipoproteinemia neuropathy; Apolipoprotein B deficiency; Congenital betalipoprotein deficiency syndrome. Identifiers: Orphanet 14, MedGen C0000744, MONDO:0008692, OMIM 200100, HP:0008181.

Submission:

Myriad Genetics, Inc.
Classification: Pathogenic for Abetalipoproteinaemia. Last evaluated: 2024-05-14. Review status: criteria provided, single submitter. Criteria: Myriad Autosomal Dominant, Autosomal Recessive and X-Linked Classification Criteria (2023). Collection method: clinical testing. Allele origin: unknown.
Comment: NM_000253.2(MTTP):c.700_702del3ins11(E234Lfs*10) is expected to be pathogenic in the context of abetalipoproteinemia. This variant is predicted to lead to an abnormal or absent protein product due to the creation of a premature termination codon in MTTP, a gene where loss-of-function variants are known to be pathogenic. Please note: this variant was assessed in the context of healthy population screening.